The following is an entry in ClinVar:

ClinVar aggregate classification (germline): Conflicting classifications of pathogenicity. Review status: criteria provided, conflicting classifications (1 of 4 stars). 4 submissions from 4 submitters: Uncertain significance (1); Benign (1); Likely benign (1). 1 of the submissions does not count toward it. Last evaluated 2026-01-16.

Conditions:
NIPBL-related disorder. Also called: NIPBL-related condition.
Inborn genetic diseases. Identifiers: MedGen C0950123, MeSH D030342.
Cornelia de Lange syndrome 1 (CDLS1). Also called: TYPUS DEGENERATIVUS AMSTELODAMENSIS; Brachmann de Lange syndrome; NIPBL-Related Cornelia de Lange Syndrome. Identifiers: Orphanet 199, MedGen C4551851, MONDO:0007387, OMIM 122470.

Allele frequency attached by ClinVar (database versions not stated): TOPMed below 0.00001; gnomAD 0.00001; gnomAD exomes 0.00004; ExAC 0.00008; 1000 Genomes Project 30x 0.00047; 1000 Genomes Project 0.00060.
gnomAD v4.1: 64 of 1,613,224 alleles (0.004%); highest among the groups gnomAD compares: South Asian, 0.064%; 1 homozygote.

Submissions (4):

Ambry Genetics
Classification: Likely benign for Inborn genetic diseases. Last evaluated: 2026-01-16. Review status: criteria provided, single submitter. Criteria: Ambry Variant Classification Scheme 2023. Collection method: clinical testing. Allele origin: germline.

Labcorp Genetics (formerly Invitae), Labcorp
Classification: Benign for Cornelia de Lange syndrome 1. Last evaluated: 2025-07-23. Review status: criteria provided, single submitter. Criteria: Invitae Variant Classification Sherloc (09022015). Collection method: clinical testing. Allele origin: germline.

Fulgent Genetics
Classification: Uncertain significance for Cornelia de Lange syndrome 1. Last evaluated: 2023-12-28. Review status: criteria provided, single submitter. Criteria: ACMG Guidelines, 2015. Collection method: clinical testing. Allele origin: germline.

PreventionGenetics, part of Exact Sciences
Classification: Likely benign for NIPBL-related condition. Last evaluated: 2021-10-10. Review status: no assertion criteria provided. Collection method: clinical testing. Allele origin: germline. Not counted in ClinVar's aggregate classification.
Comment: This variant is classified as likely benign based on ACMG/AMP sequence variant interpretation guidelines (Richards et al. 2015 PMID: 25741868, with internal and published modifications).

NM_133433.4(NIPBL):c.3340G>A (p.Ala1114Thr)

Gene: NIPBL (NIPBL cohesin loading factor; plus strand). Cytogenetic location: 5p13.2.
Variant type: single nucleotide variant.
Coding change: c.3340G>A on transcript NM_133433.4 (MANE Select); coding-DNA position 3340, G replaced by A.
Protein change: p.Ala1114Thr; replaces alanine 1114 with threonine.
Molecular consequence: missense variant.
Genome position (GRCh38, 1-based): chr5:37,000,408, G>A. VCF-style: chr5-37000408-G-A. GRCh37 (hg19) VCF-style: chr5-37000510-G-A.
Other names: c.3340G>A, p.Ala1114Thr (NM_015384.5); short protein forms A1114T.
Identifiers: ClinVar variation 3035805 (VCV003035805.6), dbSNP rs534319970, ClinGen allele CA3236322.